The following is an entry in ClinVar:

NM_001330691.3(CEP78):c.58G>T (p.Glu20Ter)

Gene: CEP78 (centrosomal protein 78; plus strand). Cytogenetic location: 9q21.2.
Variant type: single nucleotide variant.
Coding change: c.58G>T on transcript NM_001330691.3 (MANE Select); coding-DNA position 58, G replaced by T.
Protein change: p.Glu20Ter; replaces glutamic acid 20 with a stop codon.
Molecular consequence: nonsense.
Genome position (GRCh38, 1-based): chr9:78,236,408, G>T. VCF-style: chr9-78236408-G-T. GRCh37 (hg19) VCF-style: chr9-80851324-G-T.
Other names: c.58G>T, p.Glu20Ter (NM_001098802.3, NM_001330693.3, NM_001330694.2 and 4 more transcripts); short protein forms E20*.
Identifiers: ClinVar variation 844273 (VCV000844273.7), dbSNP rs1825933906, ClinGen allele CA373999180.

ClinVar aggregate classification (germline): Pathogenic (1 of 4 stars; one submission).

gnomAD v4.1: 2 of 1,597,952 alleles (0.00013%); highest among the groups gnomAD compares: Non-Finnish European, 0.00017%; no homozygotes.

Submission:

Labcorp Genetics (formerly Invitae), Labcorp
Classification: Pathogenic. Last evaluated: 2024-04-15. Review status: criteria provided, single submitter. Criteria: Invitae Variant Classification Sherloc (09022015). Collection method: clinical testing. Allele origin: germline.
Comment: This sequence change creates a premature translational stop signal (p.Glu20*) in the CEP78 gene. It is expected to result in an absent or disrupted protein product. Loss-of-function variants in CEP78 are known to be pathogenic (PMID: 27588451, 27588452, 27627988). This variant is not present in population databases (gnomAD no frequency). This variant has not been reported in the literature in individuals affected with CEP78-related conditions. ClinVar contains an entry for this variant (Variation ID: 844273). For these reasons, this variant has been classified as Pathogenic.

Literature cited by the submitters: PubMed 27588451; PubMed 27588452; PubMed 27627988.